The following is an entry in ClinVar:

ClinVar aggregate classification (germline): Uncertain significance (1 of 4 stars; one submission).

Submission:

CeGaT Center for Human Genetics Tuebingen
Classification: Uncertain significance. Last evaluated: 2022-10-01. Review status: criteria provided, single submitter. Criteria: CeGaT Center For Human Genetics Tuebingen Variant Classification Criteria Version 2. Collection method: clinical testing. Allele origin: germline. Affected: yes. Observed: 1 variant allele.
Comment: LBR: PM2

NM_002296.4(LBR):c.496T>G (p.Tyr166Asp)

Gene: LBR (lamin B receptor; minus strand). Cytogenetic location: 1q42.12.
Variant type: single nucleotide variant.
Coding change: c.496T>G on transcript NM_002296.4 (MANE Select); coding-DNA position 496, T replaced by G.
Protein change: p.Tyr166Asp; replaces tyrosine 166 with aspartic acid.
Molecular consequence: missense variant.
Genome position (GRCh38, 1-based): chr1:225,419,407, A>C on the plus strand (T>G on the coding strand, the complement: LBR is on the minus strand). VCF-style: chr1-225419407-A-C. GRCh37 (hg19) VCF-style: chr1-225607109-A-C.
Other names: c.496T>G, p.Tyr166Asp (NM_194442.3); short protein forms Y166D.
Identifiers: ClinVar variation 2639962 (VCV002639962.24), dbSNP rs2527822797, ClinGen allele CA344999916.